The following is an entry in ClinVar:

NM_001231.5(CASQ1):c.819T>C (p.Tyr273=)

Gene: CASQ1 (calsequestrin 1; plus strand). Cytogenetic location: 1q23.2.
Variant type: single nucleotide variant.
Coding change: c.819T>C on transcript NM_001231.5 (MANE Select); coding-DNA position 819, T replaced by C.
Protein change: p.Tyr273=; no amino-acid change (tyrosine 273 retained).
Molecular consequence: synonymous variant.
Genome position (GRCh38, 1-based): chr1:160,197,605, T>C. VCF-style: chr1-160197605-T-C. GRCh37 (hg19) VCF-style: chr1-160167395-T-C.
Identifiers: ClinVar variation 4991767 (VCV004991767.1).

ClinVar aggregate classification (germline): Likely benign (1 of 4 stars; one submission).

Conditions:
CASQ1-related disorder. Also called: CASQ1-related condition.

gnomAD v4.1: 1 of 1,610,664 alleles (0.000062%); highest among the groups gnomAD compares: Non-Finnish European, 0.000085%; no homozygotes.

Submission:

PreventionGenetics, part of Exact Sciences
Classification: Likely benign for CASQ1-related condition. Last evaluated: 2025-10-30. Review status: criteria provided, single submitter. Criteria: ACMG Guidelines, 2015. Collection method: clinical testing. Allele origin: germline.
Comment: This variant is classified as likely benign based on ACMG/AMP sequence variant interpretation guidelines (Richards et al. 2015 PMID: 25741868, with internal and published modifications).